The following is an entry in ClinVar:

ClinVar aggregate classification (germline): Likely benign. Review status: criteria provided, multiple submitters, no conflicts (2 of 4 stars). 4 submissions from 4 submitters: Likely benign (3). 1 of the submissions does not count toward it. Last evaluated 2025-12-30.

Conditions:
SBF1-related disorder. Also called: SBF1-related condition.
Charcot-Marie-Tooth disease type 4B3. Also called: Charcot-Marie-Tooth Neuropathy Type 4B3; CHARCOT-MARIE-TOOTH DISEASE, DEMYELINATING, TYPE 4B3. Identifiers: Orphanet 363981, MedGen C3695063, MONDO:0014117, OMIM 615284.

Allele frequency attached by ClinVar (database versions not stated): 1000 Genomes Project 30x 0.00031; TOPMed 0.00039; 1000 Genomes Project 0.00040; gnomAD 0.00042 and 0.00043; gnomAD exomes 0.00060; ExAC 0.00085; ESP Exome Variant Server 0.00087.
gnomAD v4.1: 1,322 of 1,612,332 alleles (0.082%); highest among the groups gnomAD compares: Non-Finnish European, 0.11%; 1 homozygote.

Submissions (4):

Labcorp Genetics (formerly Invitae), Labcorp
Classification: Likely benign. Last evaluated: 2025-12-30. Review status: criteria provided, single submitter. Criteria: Invitae Variant Classification Sherloc (09022015). Collection method: clinical testing. Allele origin: germline.

Blueprint Genetics
Classification: Likely benign. Last evaluated: 2024-11-23. Review status: criteria provided, single submitter. Criteria: ACMG Guidelines, 2015. Collection method: clinical testing. Allele origin: germline.

ARUP Laboratories, Molecular Genetics and Genomics, ARUP Laboratories
Classification: Likely benign for Charcot-Marie-Tooth disease type 4B3. Last evaluated: 2023-08-21. Review status: criteria provided, single submitter. Criteria: ARUP Molecular Germline Variant Investigation Process 2024. Collection method: clinical testing. Allele origin: germline.

PreventionGenetics, part of Exact Sciences
Classification: Likely benign for SBF1-related condition. Last evaluated: 2019-05-07. Review status: no assertion criteria provided. Collection method: clinical testing. Allele origin: germline. Not counted in ClinVar's aggregate classification.
Comment: This variant is classified as likely benign based on ACMG/AMP sequence variant interpretation guidelines (Richards et al. 2015 PMID: 25741868, with internal and published modifications).

NM_002972.4(SBF1):c.549+10G>A

Gene: SBF1 (SET binding factor 1; minus strand). Cytogenetic location: 22q13.33.
Variant type: single nucleotide variant.
Coding change: c.549+10G>A on transcript NM_002972.4 (MANE Select); 10 bases into the intron after coding-DNA position 549, G replaced by A.
Molecular consequence: intron variant.
Genome position (GRCh38, 1-based): chr22:50,467,328, C>T on the plus strand (G>A on the coding strand, the complement: SBF1 is on the minus strand). VCF-style: chr22-50467328-C-T. GRCh37 (hg19) VCF-style: chr22-50905757-C-T.
Other names: c.552+10G>A (NM_001365819.1); c.549+10G>A (NM_002972.3).
Identifiers: ClinVar variation 1564420 (VCV001564420.12), dbSNP rs187441948, ClinGen allele CA10318044.